The following is an entry in ClinVar:

NM_002184.4(IL6ST):c.344T>C (p.Val115Ala)

Gene: IL6ST (interleukin 6 cytokine family signal transducer; minus strand). Cytogenetic location: 5q11.2.
Variant type: single nucleotide variant.
Coding change: c.344T>C on transcript NM_002184.4 (MANE Select); coding-DNA position 344, T replaced by C.
Protein change: p.Val115Ala; replaces valine 115 with alanine.
Molecular consequence: missense variant. On other transcripts: 5 prime UTR variant (3), non-coding transcript variant (2), intron variant (1).
Genome position (GRCh38, 1-based): chr5:55,969,576, A>G on the plus strand (T>C on the coding strand, the complement: IL6ST is on the minus strand). VCF-style: chr5-55969576-A-G. GRCh37 (hg19) VCF-style: chr5-55265404-A-G.
Other names: c.344T>C, p.Val115Ala (NM_001190981.2, NM_001364275.2, NM_175767.3); c.-449T>C (NM_001364277.2, NM_001364279.2); c.-439T>C (NM_001364278.2); c.160+184T>C (NM_001364276.2); short protein forms V115A.
Identifiers: ClinVar variation 2819035 (VCV002819035.3), dbSNP rs2533572004, ClinGen allele CA359769911.

ClinVar aggregate classification (germline): Uncertain significance (1 of 4 stars; one submission).

Submission:

Labcorp Genetics (formerly Invitae), Labcorp
Classification: Uncertain significance. Last evaluated: 2022-12-07. Review status: criteria provided, single submitter. Criteria: Invitae Variant Classification Sherloc (09022015). Collection method: clinical testing. Allele origin: germline.
Comment: In summary, the available evidence is currently insufficient to determine the role of this variant in disease. Therefore, it has been classified as a Variant of Uncertain Significance. Algorithms developed to predict the effect of missense changes on protein structure and function are either unavailable or do not agree on the potential impact of this missense change (SIFT: "Deleterious"; PolyPhen-2: "Benign"; Align-GVGD: "Class C25"). This variant has not been reported in the literature in individuals affected with IL6ST-related conditions. This variant is not present in population databases (gnomAD no frequency). This sequence change replaces valine, which is neutral and non-polar, with alanine, which is neutral and non-polar, at codon 115 of the IL6ST protein (p.Val115Ala).